The following is an entry in ClinVar:

NM_006618.5(KDM5B):c.712-3_712-2delinsTG

Gene: KDM5B (lysine demethylase 5B; minus strand). Cytogenetic location: 1q32.1.
Variant type: Indel.
Coding change: c.712-3_712-2delinsTG on transcript NM_006618.5 (MANE Select); 3 bases into the intron before coding-DNA position 712 through the canonical splice acceptor site of the intron before coding-DNA position 712, AA replaced by TG.
Molecular consequence: splice acceptor variant.
Genome position (GRCh38, 1-based): chr1:202,764,147-202,764,148, TT replaced by CA on the plus strand (AA replaced by TG on the coding strand, the reverse complement: KDM5B is on the minus strand). VCF-style: chr1-202764147-TT-CA. GRCh37 (hg19) VCF-style: chr1-202733275-TT-CA.
Other names: c.697-3_697-2delinsTG (NM_001399817.1); c.577-3_577-2delinsTG (NM_001347591.2); c.820-3_820-2delinsTG (NM_001314042.2).
Identifiers: ClinVar variation 3234832 (VCV003234832.20), dbSNP rs2527583101, ClinGen allele CA2825000907.
Genomic context (GRCh38, chr1:202,764,147, plus strand): 5'-CTCAGATTATGAGTTCTGGCTTCCGTTGTCTCCTCGGGTTCTATTTTAATATTCATGGCC[TT>CA]AAAAAAATTGTCATATACATGAATATTTCCTTTAAGAAGAAATAATCTTTAAAAATCCAA-3'

ClinVar aggregate classification (germline): Likely pathogenic (1 of 4 stars; one submission).

Submission:

CeGaT Center for Human Genetics Tuebingen
Classification: Likely pathogenic. Last evaluated: 2024-04-01. Review status: criteria provided, single submitter. Criteria: CeGaT Center For Human Genetics Tuebingen Variant Classification Criteria Version 2. Collection method: clinical testing. Allele origin: germline. Affected: yes. Observed: 1 variant allele.
Comment: KDM5B: PVS1:Strong, PM2